The following is an entry in ClinVar:

ClinVar aggregate classification (germline): Uncertain significance (1 of 4 stars; one submission).

Conditions:
Hereditary breast ovarian cancer syndrome. Also called: Hereditary breast and ovarian cancer syndrome; Hereditary breast and ovarian cancer syndrome (HBOC); BRCA1- and BRCA2-Associated Hereditary Breast and Ovarian Cancer; Hereditary breast and ovarian cancer; Breast and ovarian cancer; Hereditary breast and/or ovarian cancer syndrome. Identifiers: Orphanet 145, MedGen C0677776, MeSH D061325, MONDO:0003582. Disease mechanism: loss of function.

Submission:

Labcorp Genetics (formerly Invitae), Labcorp
Classification: Uncertain significance for Hereditary breast ovarian cancer syndrome. Last evaluated: 2024-08-15. Review status: criteria provided, single submitter. Criteria: Invitae Variant Classification Sherloc (09022015). Collection method: clinical testing. Allele origin: germline.
Comment: This sequence change replaces valine, which is neutral and non-polar, with leucine, which is neutral and non-polar, at codon 151 of the BRCA2 protein (p.Val151Leu). This variant is not present in population databases (gnomAD no frequency). This variant has not been reported in the literature in individuals affected with BRCA2-related conditions. Invitae Evidence Modeling of protein sequence and biophysical properties (such as structural, functional, and spatial information, amino acid conservation, physicochemical variation, residue mobility, and thermodynamic stability) indicates that this missense variant is not expected to disrupt BRCA2 protein function with a negative predictive value of 95%. In summary, the available evidence is currently insufficient to determine the role of this variant in disease. Therefore, it has been classified as a Variant of Uncertain Significance.

NM_000059.4(BRCA2):c.451G>C (p.Val151Leu)

Gene: BRCA2 (BRCA2 DNA repair associated; plus strand). Cytogenetic location: 13q13.1.
Variant type: single nucleotide variant.
Coding change: c.451G>C on transcript NM_000059.4 (MANE Select); coding-DNA position 451, G replaced by C.
Protein change: p.Val151Leu; replaces valine 151 with leucine.
Molecular consequence: missense variant. On other transcripts: non-coding transcript variant (1).
Genome position (GRCh38, 1-based): chr13:32,326,126, G>C. VCF-style: chr13-32326126-G-C. GRCh37 (hg19) VCF-style: chr13-32900263-G-C.
Other names: c.451G>C, p.Val151Leu (NM_001406719.1, NM_001406720.1, NM_001406721.1 and 1 more transcripts); c.82G>C, p.Val28Leu (NM_001406722.1); short protein forms V151L, V28L.
Identifiers: ClinVar variation 3636410 (VCV003636410.2).
Genomic context (GRCh38, chr13:32,326,126, plus strand): 5'-AAATAACCTAAGGGATTTGCTTTGTTTTATTTTAGTCCTGTTGTTCTACAATGTACACAT[G>C]TAACACCACAAAGAGATAAGTCAGGTATGATTAAAAACAATGCTTTTTATTCTTAGAATA-3'
Protein context (NP_000050.3, residues 141-161): ESPVVLQCTH[Val151Leu]TPQRDKSVVC